The following is an entry in ClinVar:

NM_001098668.4(SFTPA2):c.336C>G (p.His112Gln)

Gene: SFTPA2 (surfactant protein A2; minus strand). Cytogenetic location: 10q22.3.
Variant type: single nucleotide variant.
Coding change: c.336C>G on transcript NM_001098668.4 (MANE Select); coding-DNA position 336, C replaced by G.
Protein change: p.His112Gln; replaces histidine 112 with glutamine.
Molecular consequence: missense variant.
Genome position (GRCh38, 1-based): chr10:79,558,086, G>C on the plus strand (C>G on the coding strand, the complement: SFTPA2 is on the minus strand). VCF-style: chr10-79558086-G-C. GRCh37 (hg19) VCF-style: chr10-81317842-G-C.
Other names: c.336C>G, p.His112Gln (NM_001320813.2, NM_001437428.1); c.366C>G, p.His122Gln (NM_001320814.1); short protein forms H112Q, H122Q.
Identifiers: ClinVar variation 5000698 (VCV005000698.1).

ClinVar aggregate classification (germline): Uncertain significance (1 of 4 stars; one submission).

Conditions:
SFTPA2-related disorder. Also called: SFTPA2-related condition.

gnomAD v4.1: 5 of 1,613,946 alleles (0.00031%); highest among the groups gnomAD compares: Non-Finnish European, 0.00042%; no homozygotes.

Submission:

PreventionGenetics, part of Exact Sciences
Classification: Uncertain significance for SFTPA2-related condition. Last evaluated: 2026-01-15. Review status: criteria provided, single submitter. Criteria: ACMG Guidelines, 2015. Collection method: clinical testing. Allele origin: germline.
Comment: The SFTPA2 c.336C>G variant is predicted to result in the amino acid substitution p.His112Gln. To our knowledge, this variant has not been reported in the literature. This variant is reported in 0.0018% of alleles in individuals of European (Non-Finnish) descent in gnomAD. At this time, the clinical significance of this variant is uncertain due to the absence of conclusive functional and genetic evidence.